The following is an entry in ClinVar:

NM_004444.5(EPHB4):c.1528C>T (p.Arg510Cys)

Gene: EPHB4 (EPH receptor B4; minus strand). Cytogenetic location: 7q22.1.
Variant type: single nucleotide variant.
Coding change: c.1528C>T on transcript NM_004444.5 (MANE Select); coding-DNA position 1528, C replaced by T.
Protein change: p.Arg510Cys; replaces arginine 510 with cysteine.
Molecular consequence: missense variant.
Genome position (GRCh38, 1-based): chr7:100,817,252, G>A on the plus strand (C>T on the coding strand, the complement: EPHB4 is on the minus strand). VCF-style: chr7-100817252-G-A. GRCh37 (hg19) VCF-style: chr7-100414874-G-A.
Other names: short protein forms R510C.
Identifiers: ClinVar variation 2532599 (VCV002532599.3), dbSNP rs1813097833, ClinGen allele CA368572829.

ClinVar aggregate classification (germline): Uncertain significance (1 of 4 stars; one submission).

Conditions:
Cardiovascular phenotype. Identifiers: MedGen CN230736.

Allele frequency attached by ClinVar (database versions not stated): TOPMed below 0.00001; gnomAD 0.00001; gnomAD exomes 0.00001.

Submission:

Ambry Genetics
Classification: Uncertain significance for Cardiovascular phenotype. Last evaluated: 2024-10-08. Review status: criteria provided, single submitter. Criteria: Ambry Variant Classification Scheme 2023. Collection method: clinical testing. Allele origin: germline.
Comment: The p.R510C variant (also known as c.1528C>T), located in coding exon 8 of the EPHB4 gene, results from a C to T substitution at nucleotide position 1528. The arginine at codon 510 is replaced by cysteine, an amino acid with highly dissimilar properties. This amino acid position is conserved. In addition, this alteration is predicted to be deleterious by in silico analysis. Based on the available evidence, the clinical significance of this variant remains unclear.